The following is an entry in ClinVar:

NM_001267550.2(TTN):c.24160A>T (p.Ile8054Leu)

Gene: TTN (titin; minus strand). Cytogenetic location: 2q31.2.
Variant type: single nucleotide variant.
Coding change: c.24160A>T on transcript NM_001267550.2 (MANE Select); coding-DNA position 24160, A replaced by T.
Protein change: p.Ile8054Leu; replaces isoleucine 8054 with leucine.
Molecular consequence: missense variant. On other transcripts: intron variant (3).
Genome position (GRCh38, 1-based): chr2:178,719,230, T>A on the plus strand (A>T on the coding strand, the complement: TTN is on the minus strand). VCF-style: chr2-178719230-T-A. GRCh37 (hg19) VCF-style: chr2-179583957-T-A.
Other names: p.I7737L:ATA>TTA; c.23209A>T, p.Ile7737Leu (NM_001256850.1); c.20428A>T, p.Ile6810Leu (NM_133378.4); c.13282+18852A>T (NM_003319.4); c.13858+18852A>T (NM_133437.4); c.13657+18852A>T (NM_133432.3); short protein forms I8054L, I6810L, I7737L.
Identifiers: ClinVar variation 46726 (VCV000046726.34), dbSNP rs72648976, ClinGen allele CA282867.

ClinVar aggregate classification (germline): Benign/Likely benign. Review status: criteria provided, multiple submitters, no conflicts (2 of 4 stars). 23 submissions from 16 submitters: Benign (16); Likely benign (5). 2 of the submissions do not count toward it. Last evaluated 2026-02-03.

Conditions:
Cardiomyopathy (CMYO). Also called: Cardiomyopathies. Identifiers: Orphanet 167848, MedGen C0878544, MONDO:0004994, HP:0001638. Inheritance: Various modes of inheritance.
Long QT syndrome (LQTS). Identifiers: MedGen C0023976, MeSH D008133, MONDO:0002442. Disease mechanism: loss of function. Inheritance: Various modes of inheritance.
Autosomal recessive limb-girdle muscular dystrophy type 2J (LGMDR10). Also called: Limb-girdle muscular dystrophy, type 2J; MUSCULAR DYSTROPHY, LIMB-GIRDLE, AUTOSOMAL RECESSIVE 10. Identifiers: Orphanet 140922, MedGen C1837342, MONDO:0012127, OMIM 608807.
Dilated cardiomyopathy 1G (CMD1G). Identifiers: Orphanet 154, MedGen C1858763, MONDO:0011400, OMIM 604145.
Early-onset myopathy with fatal cardiomyopathy (CMYO5). Also called: Salih Myopathy; CONGENITAL MYOPATHY 5 WITH CARDIOMYOPATHY. Identifiers: Orphanet 289377, MedGen C2673677, MONDO:0012714, OMIM 611705. Disease mechanism: loss of function.
Myopathy, myofibrillar, 9, with early respiratory failure (MFM9). Also called: Hereditary myopathy with early respiratory failure; EDSTROM MYOPATHY; MYOPATHY, PROXIMAL, WITH EARLY RESPIRATORY MUSCLE INVOLVEMENT; Myopathy, distal, with early respiratory failure, autosomal dominant. Identifiers: Orphanet 178464, Orphanet 34521, MedGen C1863599, MONDO:0011362, OMIM 603689.
Tibial muscular dystrophy (TMD). Also called: UDD MYOPATHY; Udd Distal Myopathy – Tibial Muscular Dystrophy; Tibial muscular dystrophy, tardive. Identifiers: Orphanet 609, MedGen C1838244, MONDO:0010870, OMIM 600334.

Allele frequency attached by ClinVar (database versions not stated): gnomAD exomes 0.00157; ExAC 0.00194; 1000 Genomes Project 0.00599; gnomAD 0.00653 and 0.00701; 1000 Genomes Project 30x 0.00656; TOPMed 0.00725; ESP Exome Variant Server 0.00770.
gnomAD v4.1: 1,847 of 1,613,758 alleles (0.11%); highest among the groups gnomAD compares: African/African-American, 2.3%; 26 homozygotes.

Submissions (23):

Labcorp Genetics (formerly Invitae), Labcorp
Classification: Benign for Dilated cardiomyopathy 1G; Autosomal recessive limb-girdle muscular dystrophy type 2J. Last evaluated: 2026-02-03. Review status: criteria provided, single submitter. Criteria: Invitae Variant Classification Sherloc (09022015). Collection method: clinical testing. Allele origin: germline.

Molecular Diagnostic Laboratory for Inherited Cardiovascular Disease, Montreal Heart Institute
Classification: Benign. Last evaluated: 2025-04-09. Review status: criteria provided, single submitter. Criteria: ACMG Guidelines, 2015. Collection method: clinical testing. Allele origin: germline. Affected: no.

ARUP Laboratories, Molecular Genetics and Genomics, ARUP Laboratories
Classification: Benign. Last evaluated: 2025-03-21. Review status: criteria provided, single submitter. Criteria: ARUP Molecular Germline Variant Investigation Process 2024. Collection method: clinical testing. Allele origin: germline.

Blueprint Genetics
Classification: Likely benign. Last evaluated: 2024-11-13. Review status: criteria provided, single submitter. Criteria: ACMG Guidelines, 2015. Collection method: clinical testing. Allele origin: germline.

Genome-Nilou Lab
Classification: Benign for Autosomal recessive limb-girdle muscular dystrophy type 2J. Last evaluated: 2021-09-10. Review status: criteria provided, single submitter. Criteria: ACMG Guidelines, 2015. Collection method: clinical testing. Allele origin: germline. Affected: no.

Genome-Nilou Lab
Classification: Benign for Myopathy, myofibrillar, 9, with early respiratory failure. Last evaluated: 2021-09-10. Review status: criteria provided, single submitter. Criteria: ACMG Guidelines, 2015. Collection method: clinical testing. Allele origin: germline. Affected: no.

Genome-Nilou Lab
Classification: Benign for Early-onset myopathy with fatal cardiomyopathy. Last evaluated: 2021-09-10. Review status: criteria provided, single submitter. Criteria: ACMG Guidelines, 2015. Collection method: clinical testing. Allele origin: germline. Affected: no.

Genome-Nilou Lab
Classification: Benign for Tibial muscular dystrophy. Last evaluated: 2021-09-10. Review status: criteria provided, single submitter. Criteria: ACMG Guidelines, 2015. Collection method: clinical testing. Allele origin: germline. Affected: no.

Women's Health and Genetics/Laboratory Corporation of America, LabCorp
Classification: Likely benign. Last evaluated: 2020-08-08. Review status: criteria provided, single submitter. Criteria: LabCorp Variant Classification Summary - May 2015. Collection method: clinical testing. Allele origin: germline.

Athena Diagnostics
Classification: Benign. Last evaluated: 2019-11-12. Review status: criteria provided, single submitter. Criteria: Athena Diagnostics Criteria. Collection method: clinical testing. Allele origin: unknown.

Center for Advanced Laboratory Medicine, UC San Diego Health, University of California San Diego
Classification: Benign for Cardiomyopathy; Long QT Syndrome. Last evaluated: 2019-06-03. Review status: criteria provided, single submitter. Criteria: ACMG Guidelines, 2015. Collection method: clinical testing. Allele origin: germline. Affected: yes. Observed: 3 variant alleles.

Mayo Clinic Laboratories, Mayo Clinic
Classification: Benign. Last evaluated: 2018-04-04. Review status: criteria provided, single submitter. Criteria: ACMG Guidelines, 2015. Collection method: clinical testing. Allele origin: germline. Observed: 11 variant alleles.

Illumina Laboratory Services, Illumina
Classification: Likely benign for Autosomal recessive limb-girdle muscular dystrophy type 2J. Last evaluated: 2018-01-13. Review status: criteria provided, single submitter. Criteria: ICSL Variant Classification Criteria 13 December 2019. Collection method: clinical testing. Allele origin: germline.
Comment: This variant was observed in the ICSL laboratory as part of a predisposition screen in an ostensibly healthy population. It had not been previously curated by ICSL or reported in the Human Gene Mutation Database (HGMD: prior to June 1st, 2018), and was therefore a candidate for classification through an automated scoring system. Utilizing variant allele frequency, disease prevalence and penetrance estimates, and inheritance mode, an automated score was calculated to assess if this variant is too frequent to cause the disease. Based on the score and internal cut-off values, a variant classified as likely benign is not then subjected to further curation. The score for this variant resulted in a classification of likely benign for this disease.

Illumina Laboratory Services, Illumina
Classification: Likely benign for Early-onset myopathy with fatal cardiomyopathy. Last evaluated: 2018-01-13. Review status: criteria provided, single submitter. Criteria: ICSL Variant Classification Criteria 13 December 2019. Collection method: clinical testing. Allele origin: germline.
Comment: the same text as in the submission from Illumina Laboratory Services, Illumina above.

Illumina Laboratory Services, Illumina
Classification: Likely benign for Dilated cardiomyopathy 1G. Last evaluated: 2018-01-13. Review status: criteria provided, single submitter. Criteria: ICSL Variant Classification Criteria 13 December 2019. Collection method: clinical testing. Allele origin: germline.
Comment: the same text as in the submission from Illumina Laboratory Services, Illumina above.

Illumina Laboratory Services, Illumina
Classification: Benign for Myopathy, myofibrillar, 9, with early respiratory failure. Last evaluated: 2018-01-13. Review status: criteria provided, single submitter. Criteria: ICSL Variant Classification Criteria 13 December 2019. Collection method: clinical testing. Allele origin: germline.
Comment: This variant was observed in the ICSL laboratory as part of a predisposition screen in an ostensibly healthy population. It had not been previously curated by ICSL or reported in the Human Gene Mutation Database (HGMD: prior to June 1st, 2018), and was therefore a candidate for classification through an automated scoring system. Utilizing variant allele frequency, disease prevalence and penetrance estimates, and inheritance mode, an automated score was calculated to assess if this variant is too frequent to cause the disease. Based on the score and internal cut-off values, a variant classified as benign is not then subjected to further curation. The score for this variant resulted in a classification of benign for this disease.

Illumina Laboratory Services, Illumina
Classification: Benign for Tibial muscular dystrophy. Last evaluated: 2018-01-13. Review status: criteria provided, single submitter. Criteria: ICSL Variant Classification Criteria 13 December 2019. Collection method: clinical testing. Allele origin: germline.
Comment: the same text as in the submission from Illumina Laboratory Services, Illumina above.

CHEO Genetics Diagnostic Laboratory, Children's Hospital of Eastern Ontario
Classification: Benign for Cardiomyopathy. Last evaluated: 2017-08-03. Review status: criteria provided, single submitter. Criteria: ACMG Guidelines, 2015. Collection method: clinical testing. Allele origin: germline. Study: Canadian Open Genetics Repository.

Biesecker Lab/Clinical Genomics Section, National Institutes of Health
Classification: Benign. Last evaluated: 2013-06-24. Review status: criteria provided, single submitter. Criteria: Ng et al. (Circ Cardiovasc Genet. 2013). Collection method: research. Allele origin: unknown. Observed: 2 variant alleles. Study: ClinSeq.
Comment: The study set was not selected for affection status in relation to any cancer. Pathogenicity categories were based on literature curation. See Pubmed ID:23861362 for details.

Medical sequencing

GeneDx
Classification: Benign. Last evaluated: 2012-11-28. Review status: criteria provided, single submitter. Criteria: GeneDx Variant Classification (06012015). Collection method: clinical testing. Allele origin: germline. Affected: yes.
Comment: This variant is considered likely benign or benign based on one or more of the following criteria: it is a conservative change, it occurs at a poorly conserved position in the protein, it is predicted to be benign by multiple in silico algorithms, and/or has population frequency not consistent with disease.

Laboratory for Molecular Medicine, Mass General Brigham Personalized Medicine
Classification: Benign. Last evaluated: 2012-01-09. Review status: criteria provided, single submitter. Criteria: LMM Criteria. Collection method: clinical testing. Allele origin: germline. Observed: 13 variant alleles.
Comment: Ile6810Leu in exon 80 of TTN: This variant is not expected to have clinical sign ificance because it is not located within the splice consensus sequence and has been identified in 0.6% (3/2000) of racially unspecified chromosomes (dbSNP rs72 648976) and in 2.4% (81/3398) of African American chromosomes (NHLBI Exome Seque ncing Project) from two broad, though clinical ly unspecified populations.

Clinical Genetics DNA and cytogenetics Diagnostics Lab, Erasmus MC, Erasmus Medical Center
Classification: Benign. Review status: no assertion criteria provided. Collection method: clinical testing. Allele origin: germline. Affected: yes. Study: VKGL Data-share Consensus. Not counted in ClinVar's aggregate classification.

Clinical Genetics, Academic Medical Center
Classification: Benign. Review status: no assertion criteria provided. Collection method: clinical testing. Allele origin: germline. Affected: yes. Study: VKGL Data-share Consensus. Not counted in ClinVar's aggregate classification.